The following is an entry in ClinVar:

NC_000023.10:g.(?_31222058)_(31382270_?)dup

Genes: DMD (dystrophin; minus strand), LOC130068088 (ATAC-STARR-seq lymphoblastoid active region 29515; plus strand), LOC130068089 (ATAC-STARR-seq lymphoblastoid active region 29516; plus strand), LOC130068085 (ATAC-STARR-seq lymphoblastoid active region 29514; plus strand), LOC130068086 (ATAC-STARR-seq lymphoblastoid silent region 20729; plus strand) and 4 more. Cytogenetic location: Xp21.2.
Variant type: Duplication.
Identifiers: ClinVar variation 526145 (VCV000526145.1).

ClinVar aggregate classification (germline): Uncertain significance (1 of 4 stars; one submission).

Conditions:
Duchenne muscular dystrophy (DMD). Also called: Duchenne Muscular Dystrophy (DMD); MUSCULAR DYSTROPHY, PSEUDOHYPERTROPHIC PROGRESSIVE, DUCHENNE TYPE. Identifiers: Orphanet 98896, MedGen C0013264, MONDO:0010679, OMIM 310200.

Submission:

Labcorp Genetics (formerly Invitae), Labcorp
Classification: Uncertain significance for Duchenne muscular dystrophy. Last evaluated: 2017-10-21. Review status: criteria provided, single submitter. Criteria: Invitae Variant Classification Sherloc (09022015). Collection method: clinical testing. Allele origin: germline.
Comment: This variant is a gross duplication of the genomic region encompassing exons 61-67 of the DMD gene. While the exact position of the duplicated exons cannot be determined from this data, the duplicated copy of this region is likely in tandem and in-frame, therefore preserving the integrity of the reading frame. This copy number variant has not been reported in the literature in individuals with DMD-related disease. Experimental studies are not available for this variant, and the functional significance of the duplicated exons is currently unknown. In summary, the available evidence is currently insufficient to determine the role of this variant in disease. Therefore, it has been classified as a Variant of Uncertain Significance.